The following is an entry in ClinVar:

ClinVar aggregate classification (germline): Uncertain significance (1 of 4 stars; one submission).

Submission:

Labcorp Genetics (formerly Invitae), Labcorp
Classification: Uncertain significance. Last evaluated: 2025-02-11. Review status: criteria provided, single submitter. Criteria: Invitae Variant Classification Sherloc (09022015). Collection method: clinical testing. Allele origin: germline.
Comment: This sequence change replaces leucine, which is neutral and non-polar, with valine, which is neutral and non-polar, at codon 1613 of the ALPK3 protein (p.Leu1613Val). This variant is not present in population databases (gnomAD no frequency). This variant has not been reported in the literature in individuals affected with ALPK3-related conditions. Invitae Evidence Modeling of protein sequence and biophysical properties (such as structural, functional, and spatial information, amino acid conservation, physicochemical variation, residue mobility, and thermodynamic stability) has been performed for this missense variant. However, the output from this modeling did not meet the statistical confidence thresholds required to predict the impact of this variant on ALPK3 protein function. In summary, the available evidence is currently insufficient to determine the role of this variant in disease. Therefore, it has been classified as a Variant of Uncertain Significance.

NM_020778.5(ALPK3):c.4231C>G (p.Leu1411Val)

Gene: ALPK3 (alpha kinase 3; plus strand). Cytogenetic location: 15q25.3.
Variant type: single nucleotide variant.
Coding change: c.4231C>G on transcript NM_020778.5 (MANE Select); coding-DNA position 4231, C replaced by G.
Protein change: p.Leu1411Val; replaces leucine 1411 with valine.
Molecular consequence: missense variant.
Genome position (GRCh38, 1-based): chr15:84,862,736, C>G. VCF-style: chr15-84862736-C-G. GRCh37 (hg19) VCF-style: chr15-85405967-C-G.
Other names: short protein forms L1411V.
Identifiers: ClinVar variation 4796846 (VCV004796846.1).